The following is an entry in ClinVar:

NM_170606.3(KMT2C):c.4279_4288del (p.Ala1427fs)

Gene: KMT2C (lysine methyltransferase 2C; minus strand). Cytogenetic location: 7q36.1.
Variant type: Deletion.
Coding change: c.4279_4288del on transcript NM_170606.3 (MANE Select); coding-DNA positions 4279 to 4288, 10 bases deleted (GCTGATGACC; older notation c.4279_4288delGCTGATGACC).
Protein change: p.Ala1427fs; shifts the reading frame from alanine 1427.
Molecular consequence: frameshift variant.
Genome position (GRCh38, 1-based): chr7:152,195,997-152,196,006, GGTCATCAGC deleted on the plus strand (GCTGATGACC on the coding strand, the reverse complement: KMT2C is on the minus strand). VCF-style (leftmost placement, unchanged base first): chr7-152195996-GGGTCATCAGC-G. GRCh37 (hg19) VCF-style: chr7-151893081-GGGTCATCAGC-G.
Other names: short protein forms A1427fs.
Identifiers: ClinVar variation 3766391 (VCV003766391.1).

ClinVar aggregate classification (germline): Likely pathogenic (1 of 4 stars; one submission).

Submission:

GeneDx
Classification: Likely pathogenic. Last evaluated: 2024-08-31. Review status: criteria provided, single submitter. Criteria: GeneDx Variant Classification Process June 2021. Collection method: clinical testing. Allele origin: germline. Affected: yes.
Comment: Frameshift variant predicted to result in protein truncation or nonsense mediated decay in a gene for which loss of function is a known mechanism of disease; Not observed at significant frequency in large population cohorts (gnomAD); Has not been previously published as pathogenic or benign to our knowledge